The following is an entry in ClinVar:

ClinVar aggregate classification (germline): Uncertain significance (1 of 4 stars; one submission).

Submission:

Labcorp Genetics (formerly Invitae), Labcorp
Classification: Uncertain significance. Last evaluated: 2022-04-28. Review status: criteria provided, single submitter. Criteria: Invitae Variant Classification Sherloc (09022015). Collection method: clinical testing. Allele origin: germline.
Comment: In summary, the available evidence is currently insufficient to determine the role of this variant in disease. Therefore, it has been classified as a Variant of Uncertain Significance. Algorithms developed to predict the effect of missense changes on protein structure and function (SIFT, PolyPhen-2, Align-GVGD) all suggest that this variant is likely to be tolerated. This variant has not been reported in the literature in individuals affected with ALPK1-related conditions. This variant is not present in population databases (gnomAD no frequency). This sequence change replaces glutamic acid, which is acidic and polar, with lysine, which is basic and polar, at codon 1071 of the ALPK1 protein (p.Glu1071Lys).

NM_025144.4(ALPK1):c.3211G>A (p.Glu1071Lys)

Gene: ALPK1 (alpha kinase 1; plus strand). Cytogenetic location: 4q25.
Variant type: single nucleotide variant.
Coding change: c.3211G>A on transcript NM_025144.4 (MANE Select); coding-DNA position 3211, G replaced by A.
Protein change: p.Glu1071Lys; replaces glutamic acid 1071 with lysine.
Molecular consequence: missense variant.
Genome position (GRCh38, 1-based): chr4:112,438,506, G>A. VCF-style: chr4-112438506-G-A. GRCh37 (hg19) VCF-style: chr4-113359662-G-A.
Other names: c.3211G>A, p.Glu1071Lys (NM_001102406.2); c.2977G>A, p.Glu993Lys (NM_001253884.2); short protein forms E1071K, E993K.
Identifiers: ClinVar variation 2060882 (VCV002060882.4), dbSNP rs2476516439, ClinGen allele CA357906710.